The following is an entry in ClinVar:

ClinVar aggregate classification (germline): Uncertain significance. Review status: criteria provided, multiple submitters, no conflicts (2 of 4 stars). 2 submissions from 2 submitters: Uncertain significance (2). Last evaluated 2025-03-26.

Allele frequency attached by ClinVar (database versions not stated): TOPMed 0.00001; gnomAD 0.00002; 1000 Genomes Project 30x 0.00031.
gnomAD v4.1: 42 of 1,613,612 alleles (0.0026%); highest among the groups gnomAD compares: Non-Finnish European, 0.003%; no homozygotes.

Submissions (2):

Labcorp Genetics (formerly Invitae), Labcorp
Classification: Uncertain significance. Last evaluated: 2025-03-26. Review status: criteria provided, single submitter. Criteria: Invitae Variant Classification Sherloc (09022015). Collection method: clinical testing. Allele origin: germline.
Comment: This sequence change replaces alanine, which is neutral and non-polar, with threonine, which is neutral and polar, at codon 119 of the MICAL1 protein (p.Ala119Thr). This variant is present in population databases (rs766624792, gnomAD 0.007%). This variant has not been reported in the literature in individuals affected with MICAL1-related conditions. ClinVar contains an entry for this variant (Variation ID: 1385513). An algorithm developed to predict the effect of missense changes on protein structure and function (PolyPhen-2) suggests that this variant is likely to be disruptive. In summary, the available evidence is currently insufficient to determine the role of this variant in disease. Therefore, it has been classified as a Variant of Uncertain Significance.

Ambry Genetics
Classification: Uncertain significance. Last evaluated: 2024-01-03. Review status: criteria provided, single submitter. Criteria: Ambry Variant Classification Scheme 2023. Collection method: clinical testing. Allele origin: germline.

NM_022765.4(MICAL1):c.298G>A (p.Ala100Thr)

Gene: MICAL1 (microtubule associated monooxygenase, calponin and LIM domain containing 1; minus strand). Cytogenetic location: 6q21.
Variant type: single nucleotide variant.
Coding change: c.298G>A on transcript NM_022765.4 (MANE Select); coding-DNA position 298, G replaced by A.
Protein change: p.Ala100Thr; replaces alanine 100 with threonine.
Molecular consequence: missense variant.
Genome position (GRCh38, 1-based): chr6:109,453,806, C>T on the plus strand (G>A on the coding strand, the complement: MICAL1 is on the minus strand). VCF-style: chr6-109453806-C-T. GRCh37 (hg19) VCF-style: chr6-109775009-C-T.
Other names: c.298G>A, p.Ala100Thr (NM_001159291.2); c.355G>A, p.Ala119Thr (NM_001286613.2); c.298G>A (NM_022765.3); short protein forms A119T, A100T.
Identifiers: ClinVar variation 1385513 (VCV001385513.7), dbSNP rs766624792, ClinGen allele CA3953826.
Genomic context (GRCh38, chr6:109,453,806, plus strand): 5'-AGAACTTGGTGCGCTTTTCCACCAGCACCACTCGGGCCCCCAGCAGCGCCAGCTCCACAG[C>T]GACCCGCAGCCCGCAAGGTCCAGCACCCACCACCAGGCACTGTGAACACACAGGGCAGTG-3'
Protein context (NP_073602.3, residues 90-110): VGAGPCGLRV[Ala100Thr]VELALLGARV